The following is an entry in ClinVar:

NM_015466.4(PTPN23):c.2866CAGCCCCATCCT[3] (p.Pro963_Ser964insGlnProHisPro)

Gene: PTPN23 (protein tyrosine phosphatase non-receptor type 23; plus strand). Cytogenetic location: 3p21.31.
Variant type: Microsatellite.
Coding change: c.2866CAGCCCCATCCT[3] on transcript NM_015466.4 (MANE Select); three copies in a row of the 12-base unit CAGCCCCATCCT starting at c.2866; the reference has two copies in a row; one copy, 12 bases duplicated.
Protein change: p.Pro963_Ser964insGlnProHisPro.
Molecular consequence: inframe insertion.
Genome position (GRCh38, 1-based): chr3:47,410,676-47,410,687, CAGCCCCATCCT duplicated; duplicating any 12 consecutive bases within chr3:47,410,664-47,410,687 gives the same sequence; the position shown is the placement nearest the transcript's 3' end. VCF-style (leftmost placement, unchanged base first): chr3-47410663-C-CCAGCCCCATCCT. GRCh37 (hg19) VCF-style: chr3-47452153-C-CCAGCCCCATCCT.
Other names: c.2488CAGCCCCATCCT[3], p.Pro837_Ser838insGlnProHisPro (NM_001304482.2).
Identifiers: ClinVar variation 2311338 (VCV002311338.4), dbSNP rs760022693, ClinGen allele CA543043158.

ClinVar aggregate classification (germline): Uncertain significance. Review status: criteria provided, multiple submitters, no conflicts (2 of 4 stars). 2 submissions from 2 submitters: Uncertain significance (2). Last evaluated 2024-11-11.

Conditions:
Inborn genetic diseases. Identifiers: MedGen C0950123, MeSH D030342.

Submissions (2):

Labcorp Genetics (formerly Invitae), Labcorp
Classification: Uncertain significance. Last evaluated: 2024-11-11. Review status: criteria provided, single submitter. Criteria: Invitae Variant Classification Sherloc (09022015). Collection method: clinical testing. Allele origin: germline.
Comment: This variant, c.2878_2889dup, results in the insertion of 4 amino acid(s) of the PTPN23 protein (p.Gln960_Pro963dup), but otherwise preserves the integrity of the reading frame. This variant is present in population databases (no rsID available, gnomAD 0.003%). This variant has not been reported in the literature in individuals affected with PTPN23-related conditions. In summary, the available evidence is currently insufficient to determine the role of this variant in disease. Therefore, it has been classified as a Variant of Uncertain Significance.

Ambry Genetics
Classification: Uncertain significance for Inborn genetic diseases. Last evaluated: 2022-09-21. Review status: criteria provided, single submitter. Criteria: Ambry Variant Classification Scheme 2023. Collection method: clinical testing. Allele origin: germline.
Comment: The c.2878_2889dupCAGCCCCATCCT (p.Q960_P963dup) alteration is located in exon 20 (coding exon 20) of the PTPN23 gene. The alteration consists of an in-frame duplication of 12 nucleotides from position 2878 to 2889, resulting in the duplication of <NA> residues. Based on insufficient or conflicting evidence, the clinical significance of this alteration remains unclear.